The following is an entry in ClinVar:

ClinVar aggregate classification (germline): Uncertain significance (1 of 4 stars; one submission).

Allele frequency attached by ClinVar (database versions not stated): ExAC 0.00003; gnomAD 0.00003; TOPMed 0.00004; gnomAD exomes 0.00006; ESP Exome Variant Server 0.00008.
gnomAD v4.1: 108 of 1,613,862 alleles (0.0067%); highest among the groups gnomAD compares: Non-Finnish European, 0.0086%; no homozygotes.

Submission:

Labcorp Genetics (formerly Invitae), Labcorp
Classification: Uncertain significance. Last evaluated: 2024-10-23. Review status: criteria provided, single submitter. Criteria: Invitae Variant Classification Sherloc (09022015). Collection method: clinical testing. Allele origin: germline.
Comment: This sequence change replaces valine, which is neutral and non-polar, with isoleucine, which is neutral and non-polar, at codon 2526 of the HTT protein (p.Val2526Ile). This variant is present in population databases (rs377400749, gnomAD 0.01%). This variant has not been reported in the literature in individuals affected with HTT-related conditions. ClinVar contains an entry for this variant (Variation ID: 1471395). Experimental studies and prediction algorithms are not available or were not evaluated, and the functional significance of this variant is currently unknown. In summary, the available evidence is currently insufficient to determine the role of this variant in disease. Therefore, it has been classified as a Variant of Uncertain Significance.

NM_001388492.1(HTT):c.7570G>A (p.Val2524Ile)

Gene: HTT (huntingtin; plus strand). Cytogenetic location: 4p16.3.
Variant type: single nucleotide variant.
Coding change: c.7570G>A on transcript NM_001388492.1 (MANE Select); coding-DNA position 7570, G replaced by A.
Protein change: p.Val2524Ile; replaces valine 2524 with isoleucine.
Molecular consequence: missense variant.
Genome position (GRCh38, 1-based): chr4:3,223,505, G>A. VCF-style: chr4-3223505-G-A. GRCh37 (hg19) VCF-style: chr4-3225232-G-A.
Other names: c.7576G>A, p.Val2526Ile (NM_002111.8); short protein forms V2526I, V2524I.
Identifiers: ClinVar variation 1471395 (VCV001471395.6), dbSNP rs377400749, ClinGen allele CA2825399.
Genomic context (GRCh38, chr4:3,223,505, plus strand): 5'-CAGGCCATCACCTCACTGGTGCTCAGTGCAATGACTGTGCCTGTGGCCGGCAACCCAGCT[G>A]TAAGCTGCTTGGAGCAGCAGCCCCGGAACAAGCCTCTGAAAGCTCTCGACACCAGGTTTG-3'
Protein context (NP_001375421.1, residues 2514-2534): MTVPVAGNPA[Val2524Ile]SCLEQQPRNK